The following is an entry in ClinVar:

NM_000359.3(TGM1):c.1303T>G (p.Phe435Val)

Gene: TGM1 (transglutaminase 1; minus strand). Cytogenetic location: 14q12.
Variant type: single nucleotide variant.
Coding change: c.1303T>G on transcript NM_000359.3 (MANE Select); coding-DNA position 1303, T replaced by G.
Protein change: p.Phe435Val; replaces phenylalanine 435 with valine.
Molecular consequence: missense variant.
Genome position (GRCh38, 1-based): chr14:24,258,384, A>C on the plus strand (T>G on the coding strand, the complement: TGM1 is on the minus strand). VCF-style: chr14-24258384-A-C. GRCh37 (hg19) VCF-style: chr14-24727590-A-C.
Other names: short protein forms F435V.
Identifiers: ClinVar variation 3721480 (VCV003721480.2).

ClinVar aggregate classification (germline): Likely pathogenic (1 of 4 stars; one submission).

Submission:

Labcorp Genetics (formerly Invitae), Labcorp
Classification: Likely pathogenic. Last evaluated: 2024-02-07. Review status: criteria provided, single submitter. Criteria: Invitae Variant Classification Sherloc (09022015). Collection method: clinical testing. Allele origin: germline.
Comment: This sequence change replaces phenylalanine, which is neutral and non-polar, with valine, which is neutral and non-polar, at codon 435 of the TGM1 protein (p.Phe435Val). This variant is present in population databases (rs754922174, gnomAD 0.007%). This missense change has been observed in individual(s) with congenital ichthyosis (PMID: 19241467). Advanced modeling of protein sequence and biophysical properties (such as structural, functional, and spatial information, amino acid conservation, physicochemical variation, residue mobility, and thermodynamic stability) performed at Invitae indicates that this missense variant is expected to disrupt TGM1 protein function with a positive predictive value of 95%. This variant disrupts the p.Phe435 amino acid residue in TGM1. Other variant(s) that disrupt this residue have been determined to be pathogenic (PMID: 31168818, 35734965). This suggests that this residue is clinically significant, and that variants that disrupt this residue are likely to be disease-causing. In summary, the currently available evidence indicates that the variant is pathogenic, but additional data are needed to prove that conclusively. Therefore, this variant has been classified as Likely Pathogenic.

Literature cited by the submitters: PubMed 19241467; PubMed 31168818; PubMed 35734965.